The following is an entry in ClinVar:

ClinVar aggregate classification (germline): Uncertain significance (1 of 4 stars; one submission).

Conditions:
Autoimmune lymphoproliferative syndrome type 2A (ALPS2A). Also called: CASP10-Related Autoimmune Lymphoproliferative Syndrome; AUTOIMMUNE LYMPHOPROLIFERATIVE SYNDROME, TYPE IIA; Autoimmune lymphoproliferative syndrome type 2. Identifiers: Orphanet 3261, MedGen C1858968, MONDO:0011383, OMIM 603909.

Submission:

Labcorp Genetics (formerly Invitae), Labcorp
Classification: Uncertain significance for Autoimmune lymphoproliferative syndrome type 2A. Last evaluated: 2022-11-03. Review status: criteria provided, single submitter. Criteria: Invitae Variant Classification Sherloc (09022015). Collection method: clinical testing. Allele origin: germline.
Comment: In summary, the available evidence is currently insufficient to determine the role of this variant in disease. Therefore, it has been classified as a Variant of Uncertain Significance. Algorithms developed to predict the effect of missense changes on protein structure and function output the following: SIFT: "Tolerated"; PolyPhen-2: "Benign"; Align-GVGD: "Class C0". The serine amino acid residue is found in multiple mammalian species, which suggests that this missense change does not adversely affect protein function. This variant has not been reported in the literature in individuals affected with CASP10-related conditions. This variant is not present in population databases (gnomAD no frequency). This sequence change replaces glycine, which is neutral and non-polar, with serine, which is neutral and polar, at codon 5 of the CASP10 protein (p.Gly5Ser).

NM_032977.4(CASP10):c.13G>A (p.Gly5Ser)

Gene: CASP10 (caspase 10; plus strand). Cytogenetic location: 2q33.1.
Variant type: single nucleotide variant.
Coding change: c.13G>A on transcript NM_032977.4 (MANE Select); coding-DNA position 13, G replaced by A.
Protein change: p.Gly5Ser; replaces glycine 5 with serine.
Molecular consequence: missense variant.
Genome position (GRCh38, 1-based): chr2:201,185,790, G>A. VCF-style: chr2-201185790-G-A. GRCh37 (hg19) VCF-style: chr2-202050513-G-A.
Other names: c.13G>A, p.Gly5Ser (NM_001206524.2, NM_001206542.2, NM_001230.5 and 3 more transcripts); short protein forms G5S.
Identifiers: ClinVar variation 2940567 (VCV002940567.3), dbSNP rs2469359470, ClinGen allele CA350277382.